The following is an entry in ClinVar:

NM_018206.6(VPS35):c.1912A>T (p.Met638Leu)

Gene: VPS35 (VPS35 retromer complex component; minus strand). Cytogenetic location: 16q11.2.
Variant type: single nucleotide variant.
Coding change: c.1912A>T on transcript NM_018206.6 (MANE Select); coding-DNA position 1912, A replaced by T.
Protein change: p.Met638Leu; replaces methionine 638 with leucine.
Molecular consequence: missense variant.
Genome position (GRCh38, 1-based): chr16:46,662,398, T>A on the plus strand (A>T on the coding strand, the complement: VPS35 is on the minus strand). VCF-style: chr16-46662398-T-A. GRCh37 (hg19) VCF-style: chr16-46696310-T-A.
Other names: short protein forms M638L.
Identifiers: ClinVar variation 319290 (VCV000319290.9), dbSNP rs144997996, ClinGen allele CA8036686.

ClinVar aggregate classification (germline): Uncertain significance. Review status: criteria provided, multiple submitters, no conflicts (2 of 4 stars). 3 submissions from 3 submitters: Uncertain significance (3). Last evaluated 2023-10-13.

Conditions:
Inborn genetic diseases. Identifiers: MedGen C0950123, MeSH D030342.
Parkinson disease 17 (PARK17). Also called: VPS35-Related Parkinson Disease. Identifiers: Orphanet 411602, MedGen C3280133, MONDO:0013625, OMIM 614203.

Allele frequency attached by ClinVar (database versions not stated): ExAC 0.00002; gnomAD exomes 0.00002; TOPMed 0.00002; gnomAD 0.00005 and 0.00006; ESP Exome Variant Server 0.00008.
gnomAD v4.1: 40 of 1,614,064 alleles (0.0025%); highest among the groups gnomAD compares: Non-Finnish European, 0.0027%; no homozygotes.

Submissions (3):

Labcorp Genetics (formerly Invitae), Labcorp
Classification: Uncertain significance for Parkinson disease 17. Last evaluated: 2023-10-13. Review status: criteria provided, single submitter. Criteria: Invitae Variant Classification Sherloc (09022015). Collection method: clinical testing. Allele origin: germline.
Comment: This sequence change replaces methionine, which is neutral and non-polar, with leucine, which is neutral and non-polar, at codon 638 of the VPS35 protein (p.Met638Leu). This variant is present in population databases (rs144997996, gnomAD 0.008%). This variant has not been reported in the literature in individuals affected with VPS35-related conditions. ClinVar contains an entry for this variant (Variation ID: 319290). Advanced modeling of protein sequence and biophysical properties (such as structural, functional, and spatial information, amino acid conservation, physicochemical variation, residue mobility, and thermodynamic stability) performed at Invitae indicates that this missense variant is not expected to disrupt VPS35 protein function. In summary, the available evidence is currently insufficient to determine the role of this variant in disease. Therefore, it has been classified as a Variant of Uncertain Significance.

Ambry Genetics
Classification: Uncertain significance for Inborn genetic diseases. Last evaluated: 2021-09-17. Review status: criteria provided, single submitter. Criteria: Ambry Variant Classification Scheme 2023. Collection method: clinical testing. Allele origin: germline.

Illumina Laboratory Services, Illumina
Classification: Uncertain significance for Parkinson disease 17. Last evaluated: 2018-01-12. Review status: criteria provided, single submitter. Criteria: ICSL Variant Classification Criteria 13 December 2019. Collection method: clinical testing. Allele origin: germline.